The following is an entry in ClinVar:

NM_031844.3(HNRNPU):c.2129G>A (p.Gly710Glu)

Gene: HNRNPU (heterogeneous nuclear ribonucleoprotein U; minus strand). Cytogenetic location: 1q44.
Variant type: single nucleotide variant.
Coding change: c.2129G>A on transcript NM_031844.3 (MANE Select); coding-DNA position 2129, G replaced by A.
Protein change: p.Gly710Glu; replaces glycine 710 with glutamic acid.
Molecular consequence: missense variant.
Genome position (GRCh38, 1-based): chr1:244,855,942, C>T on the plus strand (G>A on the coding strand, the complement: HNRNPU is on the minus strand). VCF-style: chr1-244855942-C-T. GRCh37 (hg19) VCF-style: chr1-245019244-C-T.
Other names: c.2072G>A, p.Gly691Glu (NM_004501.3); short protein forms G691E, G710E.
Identifiers: ClinVar variation 3347458 (VCV003347458.1).

ClinVar aggregate classification (germline): Uncertain significance (0 of 4 stars; one submission).

Conditions:
HNRNPU-related disorder. Also called: HNRNPU-related condition.

gnomAD v4.1: 1 of 1,614,160 alleles (0.000062%); highest among the groups gnomAD compares: Non-Finnish European, 0.000085%; no homozygotes.

Submission:

PreventionGenetics, part of Exact Sciences
Classification: Uncertain significance for HNRNPU-related condition. Last evaluated: 2024-08-09. Review status: no assertion criteria provided. Collection method: clinical testing. Allele origin: germline.
Comment: The HNRNPU c.2129G>A variant is predicted to result in the amino acid substitution p.Gly710Glu. To our knowledge, this variant has not been reported in the literature or in a large population database, indicating it is rare. At this time, the clinical significance of this variant is uncertain due to the absence of conclusive functional and genetic evidence.